The following is an entry in ClinVar:

ClinVar aggregate classification (germline): Uncertain significance. Review status: criteria provided, multiple submitters, no conflicts (2 of 4 stars). 2 submissions from 2 submitters: Uncertain significance (2). Last evaluated 2025-09-05.

Conditions:
Congenital myasthenic syndrome 12 (CMS12). Also called: Myasthenia, congenital, 12, with tubular aggregates; MYASTHENIC SYNDROME, CONGENITAL, WITH TUBULAR AGGREGATES 1. Identifiers: Orphanet 353327, Orphanet 590, MedGen C3552335, MONDO:0012518, OMIM 610542.

Allele frequency attached by ClinVar (database versions not stated): gnomAD exomes below 0.00001; TOPMed below 0.00001; gnomAD 0.00001.
gnomAD v4.1: 3 of 1,459,558 alleles (0.00021%); highest among the groups gnomAD compares: Non-Finnish European, 0.00019%; no homozygotes.

Submissions (2):

Women's Health and Genetics/Laboratory Corporation of America, LabCorp
Classification: Uncertain significance. Last evaluated: 2025-09-05. Review status: criteria provided, single submitter. Criteria: LabCorp Variant Classification Summary - May 2015. Collection method: clinical testing. Allele origin: germline.
Comment: Variant summary: GFPT1 c.1103C>T (p.Thr368Ile) results in a non-conservative amino acid change in the encoded protein sequence. Algorithms developed to predict the effect of missense changes on protein structure and function are either unavailable or do not agree on the potential impact of this missense change. The variant was absent in 251160 control chromosomes (gnomAD). c.1103C>T has been observed in individuals affected with features of Congenital Myasthenic Syndrome (Selcen_2013, Polavarapu_2024). These data indicate that the variant may be associated with disease. To our knowledge, no experimental evidence demonstrating an impact on protein function has been reported. The following publications have been ascertained in the context of this evaluation (PMID: 23794683, 37721175). ClinVar contains an entry for this variant (Variation ID: 2203077). Based on the evidence outlined above, the variant was classified as VUS-possibly pathogenic.

Labcorp Genetics (formerly Invitae), Labcorp
Classification: Uncertain significance for Congenital myasthenic syndrome 12. Last evaluated: 2022-06-11. Review status: criteria provided, single submitter. Criteria: Invitae Variant Classification Sherloc (09022015). Collection method: clinical testing. Allele origin: germline.
Comment: In summary, the available evidence is currently insufficient to determine the role of this variant in disease. Therefore, it has been classified as a Variant of Uncertain Significance. Studies have shown that this missense change alters GFPT1 gene expression (PMID: 23794683). Algorithms developed to predict the effect of missense changes on protein structure and function (SIFT, PolyPhen-2, Align-GVGD) all suggest that this variant is likely to be tolerated. This missense change has been observed in individual(s) with congenital myasthenic syndrome (PMID: 23794683). In at least one individual the data is consistent with being in trans (on the opposite chromosome) from a pathogenic variant. This variant is not present in population databases (gnomAD no frequency). This sequence change replaces threonine, which is neutral and polar, with isoleucine, which is neutral and non-polar, at codon 368 of the GFPT1 protein (p.Thr368Ile).

Literature cited by the submitters: PubMed 23794683 (cited by Women's Health and Genetics/Laboratory Corporation of America, LabCorp and Labcorp Genetics (formerly Invitae), Labcorp); PubMed 37721175 (cited by Women's Health and Genetics/Laboratory Corporation of America, LabCorp).

NM_001244710.2(GFPT1):c.1103C>T (p.Thr368Ile)

Gene: GFPT1 (glutamine--fructose-6-phosphate transaminase 1; minus strand). Cytogenetic location: 2p13.3.
Variant type: single nucleotide variant.
Coding change: c.1103C>T on transcript NM_001244710.2 (MANE Select); coding-DNA position 1103, C replaced by T.
Protein change: p.Thr368Ile; replaces threonine 368 with isoleucine.
Molecular consequence: missense variant.
Genome position (GRCh38, 1-based): chr2:69,345,906, G>A on the plus strand (C>T on the coding strand, the complement: GFPT1 is on the minus strand). VCF-style: chr2-69345906-G-A. GRCh37 (hg19) VCF-style: chr2-69573038-G-A.
Other names: c.1049C>T, p.Thr350Ile (NM_002056.4); short protein forms T350I, T368I.
Identifiers: ClinVar variation 2203077 (VCV002203077.5), dbSNP rs1671069814, ClinGen allele CA347126180.
Genomic context (GRCh38, chr2:69,345,906, plus strand): 5'-AATGGCACCTCCTACTGTCAGAGACACTGAAATAATAAAATAATTCATATGTAATTACCA[G>A]TATAGTCATCAAAGTTGACTCTTCCTCTCATTGTGTTCACGACAGACTCTGGCTGCTCAA-3'
Protein context (NP_001231639.1, residues 358-378): MRGRVNFDDY[Thr368Ile]VNLGGLKDHI